The following is an entry in ClinVar:

NM_002661.5(PLCG2):c.2578G>A (p.Val860Ile)

Gene: PLCG2 (phospholipase C gamma 2; plus strand). Cytogenetic location: 16q23.3.
Variant type: single nucleotide variant.
Coding change: c.2578G>A on transcript NM_002661.5 (MANE Select); coding-DNA position 2578, G replaced by A.
Protein change: p.Val860Ile; replaces valine 860 with isoleucine.
Molecular consequence: missense variant.
Genome position (GRCh38, 1-based): chr16:81,928,621, G>A. VCF-style: chr16-81928621-G-A. GRCh37 (hg19) VCF-style: chr16-81962226-G-A.
Other names: short protein forms V860I.
Identifiers: ClinVar variation 1448911 (VCV001448911.7), dbSNP rs370187601, ClinGen allele CA8194346.

ClinVar aggregate classification (germline): Uncertain significance. Review status: criteria provided, multiple submitters, no conflicts (2 of 4 stars). 2 submissions from 2 submitters: Uncertain significance (2). Last evaluated 2025-10-08.

Conditions:
Familial cold autoinflammatory syndrome 3 (FCAS3). Also called: ANTIBODY DEFICIENCY AND IMMUNE DYSREGULATION, PLCG2-ASSOCIATED; FAMILIAL ATYPICAL COLD URTICARIA. Identifiers: Orphanet 300359, MedGen C3280914, MONDO:0013766, OMIM 614468.
Autoinflammation-PLCG2-associated antibody deficiency-immune dysregulation. Also called: AUTOINFLAMMATION, ANTIBODY DEFICIENCY, AND IMMUNE DYSREGULATION; Autoinflammation, antibody deficiency, and immune dysregulation syndrome; Autoinflammation, antibody deficiency, and immune dysregulation, plcg2-associated. Identifiers: Orphanet 324530, MedGen C3553961, MONDO:0013944, OMIM 614878.

Allele frequency attached by ClinVar (database versions not stated): gnomAD exomes 0.00001 and 0.00003; TOPMed 0.00002; gnomAD 0.00003 and 0.00004; ExAC 0.00004; ESP Exome Variant Server 0.00008.
gnomAD v4.1: 24 of 1,594,434 alleles (0.0015%); highest among the groups gnomAD compares: South Asian, 0.0044%; no homozygotes.

Submissions (2):

Labcorp Genetics (formerly Invitae), Labcorp
Classification: Uncertain significance for Familial cold autoinflammatory syndrome 3. Last evaluated: 2025-10-08. Review status: criteria provided, single submitter. Criteria: Invitae Variant Classification Sherloc (09022015). Collection method: clinical testing. Allele origin: germline.
Comment: This sequence change replaces valine, which is neutral and non-polar, with isoleucine, which is neutral and non-polar, at codon 860 of the PLCG2 protein (p.Val860Ile). This variant is present in population databases (rs370187601, gnomAD 0.01%). This variant has not been reported in the literature in individuals affected with PLCG2-related conditions. ClinVar contains an entry for this variant (Variation ID: 1448911). An algorithm developed to predict the effect of missense changes on protein structure and function (PolyPhen-2) suggests that this variant is likely to be tolerated. In summary, the available evidence is currently insufficient to determine the role of this variant in disease. Therefore, it has been classified as a Variant of Uncertain Significance.

Fulgent Genetics
Classification: Uncertain significance for Familial cold autoinflammatory syndrome 3; Autoinflammation-PLCG2-associated antibody deficiency-immune dysregulation. Last evaluated: 2022-03-30. Review status: criteria provided, single submitter. Criteria: ACMG Guidelines, 2015. Collection method: clinical testing. Allele origin: unknown.